The following is an entry in ClinVar:

ClinVar aggregate classification (germline): Uncertain significance (1 of 4 stars; one submission).

Submission:

Labcorp Genetics (formerly Invitae), Labcorp
Classification: Uncertain significance. Last evaluated: 2024-11-13. Review status: criteria provided, single submitter. Criteria: Invitae Variant Classification Sherloc (09022015). Collection method: clinical testing. Allele origin: germline.
Comment: This variant, c.397_399del, results in the deletion of 1 amino acid(s) of the SAMD9L protein (p.Glu133del), but otherwise preserves the integrity of the reading frame. This variant is not present in population databases (gnomAD no frequency). This variant has not been reported in the literature in individuals affected with SAMD9L-related conditions. Experimental studies and prediction algorithms are not available or were not evaluated, and the functional significance of this variant is currently unknown. In summary, the available evidence is currently insufficient to determine the role of this variant in disease. Therefore, it has been classified as a Variant of Uncertain Significance.

NM_152703.5(SAMD9L):c.394GAA[1] (p.Glu133del)

Gene: SAMD9L (sterile alpha motif domain containing 9 like; minus strand). Cytogenetic location: 7q21.2.
Variant type: Microsatellite.
Coding change: c.394GAA[1] on transcript NM_152703.5 (MANE Select); one copy of the 3-base unit GAA starting at c.394; the reference has two copies in a row; one copy, 3 bases deleted.
Protein change: p.Glu133del; deletes glutamic acid 133.
Molecular consequence: inframe deletion.
Genome position (GRCh38, 1-based): chr7:93,135,573-93,135,575, TTC deleted on the plus strand (GAA on the coding strand, the reverse complement: SAMD9L is on the minus strand); deleting any 3 consecutive bases within chr7:93,135,573-93,135,580 gives the same sequence; the position shown is the placement nearest the transcript's 3' end. VCF-style (leftmost placement, unchanged base first): chr7-93135572-ATTC-A. GRCh37 (hg19) VCF-style: chr7-92764885-ATTC-A.
Other names: c.394GAA[1], p.Glu133del (NM_001303496.3, NM_001303497.3, NM_001303498.3 and 5 more transcripts); short protein forms E133del.
Identifiers: ClinVar variation 1936763 (VCV001936763.5), dbSNP rs1380557280, ClinGen allele CA843919439.